The following is an entry in ClinVar:

ClinVar aggregate classification (germline): Uncertain significance. Review status: criteria provided, multiple submitters, no conflicts (2 of 4 stars). 5 submissions from 5 submitters: Uncertain significance (4). 1 of the submissions does not count toward it. Last evaluated 2024-07-29.

Conditions:
STXBP2-related disorder. Also called: STXBP2-related condition.
Familial hemophagocytic lymphohistiocytosis 5. Also called: STXBP2-Related Familial Hemophagocytic Lymphohistiocytosis (STXBP2-fHLH). Identifiers: Orphanet 540, MedGen C2751293, MONDO:0013135, OMIM 613101.

Allele frequency attached by ClinVar (database versions not stated): TOPMed 0.00012; 1000 Genomes Project 30x 0.00016; 1000 Genomes Project 0.00020; ExAC 0.00002; gnomAD 0.00009.
gnomAD v4.1: 145 of 1,614,132 alleles (0.009%); highest among the groups gnomAD compares: Middle Eastern, 0.033%; no homozygotes.

Submissions (5):

Blueprint Genetics
Classification: Uncertain significance. Last evaluated: 2024-07-29. Review status: criteria provided, single submitter. Criteria: ACMG Guidelines, 2015. Collection method: clinical testing. Allele origin: germline.

Mayo Clinic Laboratories, Mayo Clinic
Classification: Uncertain significance. Last evaluated: 2023-12-06. Review status: criteria provided, single submitter. Criteria: ACMG Guidelines, 2015. Collection method: clinical testing. Allele origin: germline. Observed: 1 variant allele.
Comment: PM1_supporting, PM2_moderate

Labcorp Genetics (formerly Invitae), Labcorp
Classification: Uncertain significance for Familial hemophagocytic lymphohistiocytosis 5. Last evaluated: 2022-08-22. Review status: criteria provided, single submitter. Criteria: Invitae Variant Classification Sherloc (09022015). Collection method: clinical testing. Allele origin: germline.
Comment: This sequence change replaces arginine, which is basic and polar, with cysteine, which is neutral and slightly polar, at codon 575 of the STXBP2 protein (p.Arg575Cys). This variant is present in population databases (rs201481880, gnomAD 0.009%). This variant has not been reported in the literature in individuals affected with STXBP2-related conditions. ClinVar contains an entry for this variant (Variation ID: 330564). Algorithms developed to predict the effect of missense changes on protein structure and function are either unavailable or do not agree on the potential impact of this missense change (SIFT: "Deleterious"; PolyPhen-2: "Benign"; Align-GVGD: "Class C0"). In summary, the available evidence is currently insufficient to determine the role of this variant in disease. Therefore, it has been classified as a Variant of Uncertain Significance.

Illumina Laboratory Services, Illumina
Classification: Uncertain significance for Familial hemophagocytic lymphohistiocytosis 5. Last evaluated: 2018-01-13. Review status: criteria provided, single submitter. Criteria: ICSL Variant Classification Criteria 13 December 2019. Collection method: clinical testing. Allele origin: germline.

PreventionGenetics, part of Exact Sciences
Classification: Uncertain significance for STXBP2-related condition. Last evaluated: 2024-08-23. Review status: no assertion criteria provided. Collection method: clinical testing. Allele origin: germline. Not counted in ClinVar's aggregate classification.
Comment: The STXBP2 c.1723C>T variant is predicted to result in the amino acid substitution p.Arg575Cys. To our knowledge, this variant has not been reported in the literature. This variant is reported in 0.0093% of alleles in individuals of European (Non-Finnish) descent in gnomAD and is classified as a variant of uncertain significance in ClinVar. At this time, the clinical significance of this variant is uncertain due to the absence of conclusive functional and genetic evidence.

NM_006949.4(STXBP2):c.1723C>T (p.Arg575Cys)

Gene: STXBP2 (syntaxin binding protein 2; plus strand). Cytogenetic location: 19p13.2.
Variant type: single nucleotide variant.
Coding change: c.1723C>T on transcript NM_006949.4 (MANE Select); coding-DNA position 1723, C replaced by T.
Protein change: p.Arg575Cys; replaces arginine 575 with cysteine.
Molecular consequence: missense variant. On other transcripts: non-coding transcript variant (1).
Genome position (GRCh38, 1-based): chr19:7,647,751, C>T. VCF-style: chr19-7647751-C-T. GRCh37 (hg19) VCF-style: chr19-7712637-C-T.
Other names: p.Arg575Cys; c.1714C>T, p.Arg572Cys (NM_001127396.3); c.1756C>T, p.Arg586Cys (NM_001272034.2); short protein forms R575C, R586C, R572C.
Identifiers: ClinVar variation 330564 (VCV000330564.12), dbSNP rs201481880, ClinGen allele CA9144324.